The following is an entry in ClinVar:

NM_025114.4(CEP290):c.584del (p.Leu195fs)

Gene: CEP290 (centrosomal protein 290; minus strand). Cytogenetic location: 12q21.32.
Variant type: Deletion.
Coding change: c.584del on transcript NM_025114.4 (MANE Select); coding-DNA position 584, one base deleted (T; older notation c.584delT).
Protein change: p.Leu195fs; shifts the reading frame from leucine 195.
Molecular consequence: frameshift variant.
Genome position (GRCh38, 1-based): chr12:88,130,353, A deleted on the plus strand (T on the coding strand, the reverse complement: CEP290 is on the minus strand); the first of 4 consecutive A bases (chr12:88,130,353-88,130,356); deleting any one gives the same sequence. VCF-style (leftmost placement, unchanged base first): chr12-88130352-TA-T. GRCh37 (hg19) VCF-style: chr12-88524129-TA-T.
Other names: c.584del (NM_025114.3); c.584delT (NM_025114.3); short protein forms L195fs.
Identifiers: ClinVar variation 1417087 (VCV001417087.12), dbSNP rs1277316340, ClinGen allele CA693099556.

ClinVar aggregate classification (germline): Pathogenic/Likely pathogenic. Review status: criteria provided, multiple submitters, no conflicts (2 of 4 stars). 6 submissions from 6 submitters: Pathogenic (2); Likely pathogenic (4). Last evaluated 2025-12-30.

Conditions:
Nephronophthisis. Also called: Juvenile Nephronophthisis. Identifiers: Orphanet 655, MedGen C0687120, MONDO:0019005, HP:0000090.
Meckel-Gruber syndrome. Also called: DYSENCEPHALIA SPLANCHNOCYSTICA; GRUBER SYNDROME; Dysencephalia splachnocystica. Identifiers: Orphanet 564, MedGen C0265215, MONDO:0018921.
Joubert syndrome. Also called: JOUBERT-BOLTSHAUSER SYNDROME; Familial aplasia of the vermis. Identifiers: Orphanet 475, MedGen C5979921, MONDO:0018772.
Bardet-Biedl syndrome 14 (BBS14). Identifiers: Orphanet 110, MedGen C2673874, MONDO:0014442, OMIM 615991.
Joubert syndrome 5 (JBTS5). Identifiers: Orphanet 2318, MedGen C1857780, MONDO:0012432, OMIM 610188.
Senior-Loken syndrome 6 (SLSN6). Identifiers: Orphanet 3156, MedGen C1857779, MONDO:0012433, OMIM 610189.
Meckel syndrome, type 4 (MKS4). Also called: MECKEL-GRUBER SYNDROME, TYPE 4. Identifiers: Orphanet 564, MedGen C1970161, MONDO:0012626, OMIM 611134.
Leber congenital amaurosis 10 (LCA10). Identifiers: Orphanet 65, MedGen C1857821, MONDO:0012723, OMIM 611755.
CEP290-related disorder. Also called: CEP290-related condition; CEP290-related disorders. Identifiers: MedGen CN239314.
Leber congenital amaurosis (LCA). Also called: Leber's amaurosis. Identifiers: Orphanet 65, MedGen C0339527, MeSH D057130, MONDO:0018998.

Submissions (6):

PreventionGenetics, part of Exact Sciences
Classification: Likely pathogenic for CEP290-related condition. Last evaluated: 2025-12-30. Review status: criteria provided, single submitter. Criteria: ACMG Guidelines, 2015. Collection method: clinical testing. Allele origin: germline.
Comment: The CEP290 c.584delT variant is predicted to result in a frameshift and premature protein termination (p.Leu195Tyrfs*31). To our knowledge, this variant has not been reported in the literature or in a large population database (gnomAD), indicating this variant is rare. Frameshift variants in CEP290 are expected to be pathogenic. This variant is interpreted as likely pathogenic.

Natera, Inc.
Classification: Likely pathogenic for Leber congenital amaurosis. Last evaluated: 2025-06-16. Review status: criteria provided, single submitter. Criteria: Natera Variant Classification Schema (03/2026). Collection method: clinical testing. Allele origin: germline.
Comment: The c.584delT variant in CEP290 is a frameshift variant predicted to shift the reading frame beginning at codon 195 and leads to a stop codon 31 codons downstream. This variant is expected to result in nonsense mediated decay, truncation, or a dysfunctional protein product. This variant is rare in the general population with a frequency below the threshold expected for the associated phenotype(s). Given the available evidence, this variant is classified as Likely Pathogenic.

GeneDx
Classification: Pathogenic. Last evaluated: 2024-10-21. Review status: criteria provided, single submitter. Criteria: GeneDx Variant Classification Process June 2021. Collection method: clinical testing. Allele origin: germline. Affected: yes.
Comment: Frameshift variant predicted to result in protein truncation or nonsense mediated decay in a gene for which loss of function is a known mechanism of disease; Not observed at significant frequency in large population cohorts (gnomAD); Has not been previously published as pathogenic or benign to our knowledge

Labcorp Genetics (formerly Invitae), Labcorp
Classification: Pathogenic for Joubert syndrome; Meckel-Gruber syndrome; Nephronophthisis. Last evaluated: 2024-05-05. Review status: criteria provided, single submitter. Criteria: Invitae Variant Classification Sherloc (09022015). Collection method: clinical testing. Allele origin: germline.
Comment: This sequence change creates a premature translational stop signal (p.Leu195Tyrfs*31) in the CEP290 gene. It is expected to result in an absent or disrupted protein product. Loss-of-function variants in CEP290 are known to be pathogenic (PMID: 16909394, 17345604, 20690115). This variant is not present in population databases (gnomAD no frequency). This variant has not been reported in the literature in individuals affected with CEP290-related conditions. ClinVar contains an entry for this variant (Variation ID: 1417087). For these reasons, this variant has been classified as Pathogenic.

Fulgent Genetics
Classification: Likely pathogenic for Joubert syndrome 5; Senior-Loken syndrome 6; Meckel syndrome, type 4; Leber congenital amaurosis 10; Bardet-Biedl syndrome 14. Last evaluated: 2024-01-29. Review status: criteria provided, single submitter. Criteria: ACMG Guidelines, 2015. Collection method: clinical testing. Allele origin: germline.

Baylor Genetics
Classification: Likely pathogenic for Bardet-Biedl syndrome 14. Last evaluated: 2023-03-25. Review status: criteria provided, single submitter. Criteria: ACMG Guidelines, 2015. Collection method: clinical testing. Allele origin: unknown.

Literature cited by the submitters: PubMed 16909394 (cited by Labcorp Genetics (formerly Invitae), Labcorp); PubMed 17345604 (cited by Labcorp Genetics (formerly Invitae), Labcorp); PubMed 20690115 (cited by Labcorp Genetics (formerly Invitae), Labcorp).